The following is an entry in ClinVar:

ClinVar aggregate classification (germline): Uncertain significance (1 of 4 stars; one submission).

Submission:

Labcorp Genetics (formerly Invitae), Labcorp
Classification: Uncertain significance. Last evaluated: 2022-03-11. Review status: criteria provided, single submitter. Criteria: Invitae Variant Classification Sherloc (09022015). Collection method: clinical testing. Allele origin: germline.
Comment: This sequence change replaces alanine, which is neutral and non-polar, with threonine, which is neutral and polar, at codon 716 of the C5 protein (p.Ala716Thr). This variant is not present in population databases (gnomAD no frequency). This variant has not been reported in the literature in individuals affected with C5-related conditions. Algorithms developed to predict the effect of missense changes on protein structure and function (SIFT, PolyPhen-2, Align-GVGD) all suggest that this variant is likely to be tolerated. In summary, the available evidence is currently insufficient to determine the role of this variant in disease. Therefore, it has been classified as a Variant of Uncertain Significance.

NM_001735.3(C5):c.2146G>A (p.Ala716Thr)

Gene: C5 (complement C5; minus strand). Cytogenetic location: 9q33.2.
Variant type: single nucleotide variant.
Coding change: c.2146G>A on transcript NM_001735.3 (MANE Select); coding-DNA position 2146, G replaced by A.
Protein change: p.Ala716Thr; replaces alanine 716 with threonine.
Molecular consequence: missense variant.
Genome position (GRCh38, 1-based): chr9:121,013,984, C>T on the plus strand (G>A on the coding strand, the complement: C5 is on the minus strand). VCF-style: chr9-121013984-C-T. GRCh37 (hg19) VCF-style: chr9-123776262-C-T.
Other names: c.2164G>A, p.Ala722Thr (NM_001317163.2); c.2146G>A, p.Ala716Thr (NM_001317164.2); short protein forms A722T, A716T.
Identifiers: ClinVar variation 2108741 (VCV002108741.1), dbSNP rs2540425679, ClinGen allele CA374743645.
Genomic context (GRCh38, chr9:121,013,984, plus strand): 5'-TTGCGACGACACAACATTCAGTGAAAGCTTTGATGCATCTTGGCCCTAAACTAATCCGTG[C>T]AGCTCGCTGCTCACAGGTTTCATCATTATTAACGCAGGCTCCATCGTAACAACATTTCTT-3'
Protein context (NP_001726.2, residues 706-726): NNDETCEQRA[Ala716Thr]RISLGPRCIK